The following is an entry in ClinVar:

ClinVar aggregate classification (germline): Uncertain significance (1 of 4 stars; one submission).

Conditions:
Primary familial hypertrophic cardiomyopathy (HCM). Identifiers: Orphanet 99739, MedGen C0949658, MeSH D024741, MONDO:0024573. Inheritance: Various modes of inheritance.
Dilated cardiomyopathy 1AA (CMD1AA). Also called: CARDIOMYOPATHY, DILATED, 1AA, WITH OR WITHOUT LEFT VENTRICULAR NONCOMPACTION; CARDIOMYOPATHY, FAMILIAL HYPERTROPHIC, 23, WITH OR WITHOUT LEFT VENTRICULAR NONCOMPACTION; Cardiomyopathy, dilated, 1AA, with or without LVNC. Identifiers: Orphanet 154, MedGen C2677338, MONDO:0012808, OMIM 612158.

Submission:

Labcorp Genetics (formerly Invitae), Labcorp
Classification: Uncertain significance for Primary familial hypertrophic cardiomyopathy; Dilated cardiomyopathy 1AA. Last evaluated: 2023-08-16. Review status: criteria provided, single submitter. Criteria: Invitae Variant Classification Sherloc (09022015). Collection method: clinical testing. Allele origin: germline.
Comment: In summary, the available evidence is currently insufficient to determine the role of this variant in disease. Therefore, it has been classified as a Variant of Uncertain Significance. This sequence change replaces isoleucine, which is neutral and non-polar, with serine, which is neutral and polar, at codon 190 of the ACTN2 protein (p.Ile190Ser). This variant is not present in population databases (gnomAD no frequency). This variant has not been reported in the literature in individuals affected with ACTN2-related conditions. Advanced modeling of protein sequence and biophysical properties (such as structural, functional, and spatial information, amino acid conservation, physicochemical variation, residue mobility, and thermodynamic stability) performed at Invitae indicates that this missense variant is expected to disrupt ACTN2 protein function.

NM_001103.4(ACTN2):c.569T>G (p.Ile190Ser)

Gene: ACTN2 (actinin alpha 2; plus strand). Cytogenetic location: 1q43.
Variant type: single nucleotide variant.
Coding change: c.569T>G on transcript NM_001103.4 (MANE Select); coding-DNA position 569, T replaced by G.
Protein change: p.Ile190Ser; replaces isoleucine 190 with serine.
Molecular consequence: missense variant. On other transcripts: non-coding transcript variant (1).
Genome position (GRCh38, 1-based): chr1:236,727,710, T>G. VCF-style: chr1-236727710-T-G. GRCh37 (hg19) VCF-style: chr1-236891010-T-G.
Other names: c.569T>G, p.Ile190Ser (NM_001278343.2); c.-253T>G (NM_001278344.2); c.-378T>G (NM_001412150.1); short protein forms I190S.
Identifiers: ClinVar variation 2951019 (VCV002951019.3), dbSNP rs2527565018, ClinGen allele CA345375450.